The following is an entry in ClinVar:

ClinVar aggregate classification (germline): Uncertain significance (1 of 4 stars; one submission).

Allele frequency attached by ClinVar (database versions not stated): TOPMed below 0.00001; gnomAD exomes 0.00004.
gnomAD v4.1: 58 of 1,611,880 alleles (0.0036%); highest among the groups gnomAD compares: Non-Finnish European, 0.0049%; no homozygotes.

Submission:

Labcorp Genetics (formerly Invitae), Labcorp
Classification: Uncertain significance. Last evaluated: 2022-07-20. Review status: criteria provided, single submitter. Criteria: Invitae Variant Classification Sherloc (09022015). Collection method: clinical testing. Allele origin: germline.
Comment: This sequence change replaces valine, which is neutral and non-polar, with isoleucine, which is neutral and non-polar, at codon 107 of the C17orf62 protein (p.Val107Ile). This variant is present in population databases (no rsID available, gnomAD 0.0009%). This variant has not been reported in the literature in individuals affected with C17orf62-related conditions. Algorithms developed to predict the effect of missense changes on protein structure and function output the following: SIFT: "Tolerated"; PolyPhen-2: "Benign"; Align-GVGD: "Class C0". The isoleucine amino acid residue is found in multiple mammalian species, which suggests that this missense change does not adversely affect protein function. In summary, the available evidence is currently insufficient to determine the role of this variant in disease. Therefore, it has been classified as a Variant of Uncertain Significance.

NM_001033046.4(CYBC1):c.319G>A (p.Val107Ile)

Gene: CYBC1 (cytochrome b-245 chaperone 1; minus strand). Cytogenetic location: 17q25.3.
Variant type: single nucleotide variant.
Coding change: c.319G>A on transcript NM_001033046.4 (MANE Select); coding-DNA position 319, G replaced by A.
Protein change: p.Val107Ile; replaces valine 107 with isoleucine.
Molecular consequence: missense variant. On other transcripts: non-coding transcript variant (4).
Genome position (GRCh38, 1-based): chr17:82,444,571, C>T on the plus strand (G>A on the coding strand, the complement: CYBC1 is on the minus strand). VCF-style: chr17-82444571-C-T. GRCh37 (hg19) VCF-style: chr17-80402447-C-T.
Other names: c.319G>A, p.Val107Ile (NM_001100407.3, NM_001193653.2, NM_001193654.2 and 2 more transcripts); c.277G>A, p.Val93Ile (NM_001100408.3); short protein forms V93I, V107I.
Identifiers: ClinVar variation 1989923 (VCV001989923.1), dbSNP rs1020570929, ClinGen allele CA295212782.